The following is an entry in ClinVar:

ClinVar aggregate classification (germline): Likely pathogenic (1 of 4 stars; one submission).

Submission:

CeGaT Center for Human Genetics Tuebingen
Classification: Likely pathogenic. Last evaluated: 2026-04-01. Review status: criteria provided, single submitter. Criteria: CeGaT Center For Human Genetics Tuebingen Variant Classification Criteria Version 2. Collection method: clinical testing. Allele origin: germline. Affected: yes. Observed: 1 variant allele.
Comment: LRRC56: PVS1:Strong, PM2

NM_198075.4(LRRC56):c.502_509dup (p.Asn170fs)

Gene: LRRC56 (leucine rich repeat containing 56; plus strand). Cytogenetic location: 11p15.5.
Variant type: Duplication.
Coding change: c.502_509dup on transcript NM_198075.4 (MANE Select); coding-DNA positions 502 to 509, 8 bases duplicated (GAGGGCAA; older notation c.502_509dupGAGGGCAA).
Protein change: p.Asn170fs; shifts the reading frame from asparagine 170.
Molecular consequence: frameshift variant.
Genome position (GRCh38, 1-based): chr11:550,150-550,157, GAGGGCAA duplicated. VCF-style (leftmost placement, unchanged base first): chr11-550149-G-GGAGGGCAA. GRCh37 (hg19) VCF-style: chr11-550149-G-GGAGGGCAA.
Other names: c.502_509dup, p.Asn170fs (NM_001441283.1, NM_001441284.1, NM_001441285.1 and 1 more transcripts); short protein forms N170fs.
Identifiers: ClinVar variation 4874163 (VCV004874163.2).
Genomic context (GRCh38, chr11:550,149, plus strand): 5'-CAACAACATCTCGGACCTGAGCCCACTGTGCCTGCTGGAACAATTGGAGGTGCTGGACCT[G>GGAGGGCAA]GAGGGCAACAGCGTGGAGGACCTGGGGCAGGTGCGCTACTTGCAGCTGTGCCCACGCCTG-3'